The following is an entry in ClinVar:

NM_001042492.3(NF1):c.5588G>A (p.Gly1863Asp)

Gene: NF1 (neurofibromin 1; plus strand). Cytogenetic location: 17q11.2.
Variant type: single nucleotide variant.
Coding change: c.5588G>A on transcript NM_001042492.3 (MANE Select); coding-DNA position 5588, G replaced by A.
Protein change: p.Gly1863Asp; replaces glycine 1863 with aspartic acid.
Molecular consequence: missense variant.
Genome position (GRCh38, 1-based): chr17:31,327,818, G>A. VCF-style: chr17-31327818-G-A. GRCh37 (hg19) VCF-style: chr17-29654836-G-A.
Other names: c.5525G>A, p.Gly1842Asp (NM_000267.4); short protein forms G1863D, G1842D.
Identifiers: ClinVar variation 658564 (VCV000658564.13), dbSNP rs1597832460, ClinGen allele CA399010030.
Genomic context (GRCh38, chr17:31,327,818, plus strand): 5'-CCAAGATTCGGCCAAAAGATGTCCCTGGGACACTGCTCAATATCGCATTACTTAATTTAG[G>A]CAGTTCTGACCCGAGTTTACGGTAGGTTTTTTAAAATTCTCTTCAGTTTGATTTGGGGTT-3'
Protein context (NP_001035957.1, residues 1853-1873): TLLNIALLNL[Gly1863Asp]SSDPSLRSAA

ClinVar aggregate classification (germline): Uncertain significance. Review status: criteria provided, multiple submitters, no conflicts (2 of 4 stars). 5 submissions from 5 submitters: Uncertain significance (5). Last evaluated 2025-11-20.

Conditions:
Neurofibromatosis, type 1 (NF1). Also called: VON RECKLINGHAUSEN DISEASE; NEUROFIBROMATOSIS, TYPE I, SOMATIC; Peripheral type neurofibromatosis; Neurofibromatosis, type I. Identifiers: Orphanet 636, MedGen C0027831, MONDO:0018975, OMIM 162200. Disease mechanism: loss of function.
Cardiovascular phenotype. Identifiers: MedGen CN230736.
Hereditary cancer-predisposing syndrome. Also called: Neoplastic Syndromes, Hereditary; Hereditary neoplastic syndrome; Hereditary Cancer Syndrome; Tumor predisposition. Identifiers: Orphanet 140162, MedGen C0027672, MeSH D009386, MONDO:0015356.

Submissions (5):

GeneDx
Classification: Uncertain significance. Last evaluated: 2025-11-20. Review status: criteria provided, single submitter. Criteria: GeneDx Variant Classification Process June 2021. Collection method: clinical testing. Allele origin: germline. Affected: yes.
Comment: Not observed at significant frequency in large population cohorts (gnomAD); In silico analysis supports that this missense variant has a deleterious effect on protein structure/function; Has not been previously published as pathogenic or benign to our knowledge

Ambry Genetics
Classification: Uncertain significance for Cardiovascular phenotype; Hereditary cancer-predisposing syndrome. Last evaluated: 2024-10-14. Review status: criteria provided, single submitter. Criteria: Ambry Variant Classification Scheme 2023. Collection method: clinical testing. Allele origin: germline.
Comment: The p.G1842D variant (also known as c.5525G>A), located in coding exon 37 of the NF1 gene, results from a G to A substitution at nucleotide position 5525. The glycine at codon 1842 is replaced by aspartic acid, an amino acid with similar properties. This amino acid position is highly conserved in available vertebrate species. In addition, this alteration is predicted to be deleterious by in silico analysis. Based on the available evidence, the clinical significance of this variant remains unclear.

Genome-Nilou Lab
Classification: Uncertain significance for Neurofibromatosis, type 1. Last evaluated: 2022-03-15. Review status: criteria provided, single submitter. Criteria: ACMG Guidelines, 2015. Collection method: clinical testing. Allele origin: germline. Affected: no.

Labcorp Genetics (formerly Invitae), Labcorp
Classification: Uncertain significance for Neurofibromatosis, type 1. Last evaluated: 2020-06-13. Review status: criteria provided, single submitter. Criteria: Invitae Variant Classification Sherloc (09022015). Collection method: clinical testing. Allele origin: germline.
Comment: This variant is not present in population databases (ExAC no frequency). In summary, the available evidence is currently insufficient to determine the role of this variant in disease. Therefore, it has been classified as a Variant of Uncertain Significance. Algorithms developed to predict the effect of missense changes on protein structure and function are either unavailable or do not agree on the potential impact of this missense change (SIFT: "Tolerated"; PolyPhen-2: "Probably Damaging"; Align-GVGD: "Class C0"). This variant has not been reported in the literature in individuals with NF1-related conditions. This sequence change replaces glycine with aspartic acid at codon 1842 of the NF1 protein (p.Gly1842Asp). The glycine residue is moderately conserved and there is a moderate physicochemical difference between glycine and aspartic acid.

3billion
Classification: Uncertain significance for Neurofibromatosis, type 1. Review status: criteria provided, single submitter. Criteria: ACMG Guidelines, 2015. Collection method: clinical testing. Allele origin: unknown. Affected: yes. Observed: 1 heterozygote.
Comment: The variant is not observed in the gnomAD v2.1.1 dataset. In silico tool predictions suggest damaging effect of the variant on gene or gene product (REVEL: 0.77; 3Cnet: 0.93). Therefore, this variant is classified as Uncertain significance according to the recommendation of ACMG/AMP guideline.